The following is an entry in ClinVar:

ClinVar aggregate classification (germline): Uncertain significance (1 of 4 stars; one submission).

Conditions:
Very long chain acyl-CoA dehydrogenase deficiency (ACADVLD). Also called: VLCAD Deficiency; Very Long-Chain Acyl-Coenzyme A Dehydrogenase Deficiency. Identifiers: Orphanet 26793, MedGen C3887523, MONDO:0008723, OMIM 201475.

Submission:

Labcorp Genetics (formerly Invitae), Labcorp
Classification: Uncertain significance for Very long chain acyl-CoA dehydrogenase deficiency. Last evaluated: 2020-08-15. Review status: criteria provided, single submitter. Criteria: Invitae Variant Classification Sherloc (09022015). Collection method: clinical testing. Allele origin: germline.
Comment: In summary, the available evidence is currently insufficient to determine the role of this variant in disease. Therefore, it has been classified as a Variant of Uncertain Significance. Algorithms developed to predict the effect of missense changes on protein structure and function are either unavailable or do not agree on the potential impact of this missense change (SIFT: "Deleterious"; PolyPhen-2: "Benign"; Align-GVGD: "Class C0"). This variant has not been reported in the literature in individuals with ACADVL-related conditions. This variant is not present in population databases (ExAC no frequency). This sequence change replaces methionine with arginine at codon 169 of the ACADVL protein (p.Met169Arg). The methionine residue is moderately conserved and there is a moderate physicochemical difference between methionine and arginine.

NM_000018.4(ACADVL):c.506T>G (p.Met169Arg)

Gene: ACADVL (acyl-CoA dehydrogenase very long chain; plus strand). Cytogenetic location: 17p13.1.
Variant type: single nucleotide variant.
Coding change: c.506T>G on transcript NM_000018.4 (MANE Select); coding-DNA position 506, T replaced by G.
Protein change: p.Met169Arg; replaces methionine 169 with arginine.
Molecular consequence: missense variant.
Genome position (GRCh38, 1-based): chr17:7,221,566, T>G. VCF-style: chr17-7221566-T-G. GRCh37 (hg19) VCF-style: chr17-7124885-T-G.
Other names: c.440T>G, p.Met147Arg (NM_001033859.3); c.575T>G, p.Met192Arg (NM_001270447.2); c.278T>G, p.Met93Arg (NM_001270448.2); short protein forms M169R, M192R, M93R, M147R.
Identifiers: ClinVar variation 1046196 (VCV001046196.8), dbSNP rs1382262076, ClinGen allele CA397723052.